The following is an entry in ClinVar:

ClinVar aggregate classification (germline): Uncertain significance. Review status: criteria provided, multiple submitters, no conflicts (2 of 4 stars). 3 submissions from 3 submitters: Uncertain significance (3). Last evaluated 2025-03-16.

Conditions:
Cardiovascular phenotype. Identifiers: MedGen CN230736.

Allele frequency attached by ClinVar (database versions not stated): gnomAD 0.00001; gnomAD exomes 0.00001; TOPMed 0.00002.
gnomAD v4.1: 19 of 1,542,318 alleles (0.0012%); highest among the groups gnomAD compares: Non-Finnish European, 0.0017%; no homozygotes.

Submissions (3):

Ambry Genetics
Classification: Uncertain significance for Cardiovascular phenotype. Last evaluated: 2025-03-16. Review status: criteria provided, single submitter. Criteria: Ambry Variant Classification Scheme 2023. Collection method: clinical testing. Allele origin: germline.

Labcorp Genetics (formerly Invitae), Labcorp
Classification: Uncertain significance. Last evaluated: 2022-05-27. Review status: criteria provided, single submitter. Criteria: Invitae Variant Classification Sherloc (09022015). Collection method: clinical testing. Allele origin: germline.
Comment: This sequence change replaces arginine, which is basic and polar, with histidine, which is basic and polar, at codon 3423 of the ZNF469 protein (p.Arg3423His). This variant is not present in population databases (gnomAD no frequency). This variant has not been reported in the literature in individuals affected with ZNF469-related conditions. ClinVar contains an entry for this variant (Variation ID: 808136). Algorithms developed to predict the effect of missense changes on protein structure and function are either unavailable or do not agree on the potential impact of this missense change (SIFT: "Deleterious"; PolyPhen-2: "Probably Damaging"; Align-GVGD: "Class C0"). In summary, the available evidence is currently insufficient to determine the role of this variant in disease. Therefore, it has been classified as a Variant of Uncertain Significance.

CeGaT Center for Human Genetics Tuebingen
Classification: Uncertain significance. Last evaluated: 2016-05-01. Review status: criteria provided, single submitter. Criteria: CeGaT Center For Human Genetics Tuebingen Variant Classification Criteria Version 2. Collection method: clinical testing. Allele origin: germline. Affected: yes. Observed: 1 variant allele.

NM_001367624.2(ZNF469):c.10352G>A (p.Arg3451His)

Gene: ZNF469 (zinc finger protein 469; plus strand). Cytogenetic location: 16q24.2.
Variant type: single nucleotide variant.
Coding change: c.10352G>A on transcript NM_001367624.2 (MANE Select); coding-DNA position 10352, G replaced by A.
Protein change: p.Arg3451His; replaces arginine 3451 with histidine.
Molecular consequence: missense variant.
Genome position (GRCh38, 1-based): chr16:88,437,822, G>A. VCF-style: chr16-88437822-G-A. GRCh37 (hg19) VCF-style: chr16-88504230-G-A.
Other names: NM_001127464.1:c.10268G>A; short protein forms R3451H.
Identifiers: ClinVar variation 808136 (VCV000808136.46), dbSNP rs972190166, ClinGen allele CA286386634.